The following is an entry in ClinVar:

NM_004046.6(ATP5F1A):c.286G>A (p.Val96Ile)

Gene: ATP5F1A (ATP synthase F1 subunit alpha; minus strand). Cytogenetic location: 18q21.1.
Variant type: single nucleotide variant.
Coding change: c.286G>A on transcript NM_004046.6 (MANE Select); coding-DNA position 286, G replaced by A.
Protein change: p.Val96Ile; replaces valine 96 with isoleucine.
Molecular consequence: missense variant.
Genome position (GRCh38, 1-based): chr18:46,091,705, C>T on the plus strand (G>A on the coding strand, the complement: ATP5F1A is on the minus strand). VCF-style: chr18-46091705-C-T. GRCh37 (hg19) VCF-style: chr18-43671671-C-T.
Other names: c.136G>A, p.Val46Ile (NM_001001935.3, NM_001257335.2); c.286G>A, p.Val96Ile (NM_001001937.2, NM_001257334.2); short protein forms V46I, V96I.
Identifiers: ClinVar variation 3361904 (VCV003361904.1).
Genomic context (GRCh38, chr18:46,091,705, plus strand): 5'-AGATCCTAAAACACCAAAATCTTATTTTATAATTTACCTTTAAGCCTGAAGAAAACTCTA[C>T]CATTTCTTCTGCTTGAACATTCCTCAGCCCATGTACGCGGGCAATACCATCACCAATACT-3'
Protein context (NP_004037.1, residues 86-106): GLRNVQAEEM[Val96Ile]EFSSGLKGMS

ClinVar aggregate classification (germline): Uncertain significance (1 of 4 stars; one submission).

Submission:

GeneDx
Classification: Uncertain significance. Last evaluated: 2023-08-01. Review status: criteria provided, single submitter. Criteria: GeneDx Variant Classification Process June 2021. Collection method: clinical testing. Allele origin: germline. Affected: yes.
Comment: Has not been previously published as pathogenic or benign to our knowledge; In silico analysis supports that this missense variant does not alter protein structure/function